The following is an entry in ClinVar:

ClinVar aggregate classification (germline): Uncertain significance (1 of 4 stars; one submission).

Conditions:
Eichsfeld type congenital muscular dystrophy (CMYO3). Also called: MYOPATHY, SEPN1-RELATED; Rigid spine muscular dystrophy 1; SELENON-related myopathy; Congenital myopathy 3 with rigid spine. Identifiers: MedGen C0410180, MONDO:0100100, OMIM 602771.

gnomAD v4.1: 1 of 1,589,838 alleles (0.000063%); highest among the groups gnomAD compares: Middle Eastern, 0.017%; no homozygotes.

Submission:

Labcorp Genetics (formerly Invitae), Labcorp
Classification: Uncertain significance for Eichsfeld type congenital muscular dystrophy. Last evaluated: 2020-05-11. Review status: criteria provided, single submitter. Criteria: Invitae Variant Classification Sherloc (09022015). Collection method: clinical testing. Allele origin: germline.
Comment: In summary, the available evidence is currently insufficient to determine the role of this variant in disease. Therefore, it has been classified as a Variant of Uncertain Significance. Algorithms developed to predict the effect of missense changes on protein structure and function do not agree on the potential impact of this missense change (SIFT: "Deleterious"; PolyPhen-2: "Benign"; Align-GVGD: "Class C25"). This variant has not been reported in the literature in individuals with SELENON-related disease. This variant is not present in population databases (ExAC no frequency). This sequence change replaces valine with leucine at codon 399 of the SELENON protein (p.Val399Leu). The valine residue is highly conserved and there is a small physicochemical difference between valine and leucine.

NM_206926.2(SELENON):c.1093G>C (p.Val365Leu)

Gene: SELENON (selenoprotein N; plus strand). Cytogenetic location: 1p36.11.
Variant type: single nucleotide variant.
Coding change: c.1093G>C on transcript NM_206926.2 (MANE Select); coding-DNA position 1093, G replaced by C.
Protein change: p.Val365Leu; replaces valine 365 with leucine.
Molecular consequence: missense variant.
Genome position (GRCh38, 1-based): chr1:25,811,793, G>C. VCF-style: chr1-25811793-G-C. GRCh37 (hg19) VCF-style: chr1-26138284-G-C.
Other names: c.1195G>C, p.Val399Leu (NM_020451.3); short protein forms V399L, V365L.
Identifiers: ClinVar variation 569355 (VCV000569355.7), dbSNP rs1337260819, ClinGen allele CA339117224.